The following is an entry in ClinVar:

ClinVar aggregate classification (germline): Uncertain significance (1 of 4 stars; one submission).

Conditions:
Hypertrophic cardiomyopathy 14. Identifiers: MedGen C2750467, MONDO:0013197, OMIM 613251.

Submission:

Labcorp Genetics (formerly Invitae), Labcorp
Classification: Uncertain significance for Hypertrophic cardiomyopathy 14. Last evaluated: 2024-06-25. Review status: criteria provided, single submitter. Criteria: Invitae Variant Classification Sherloc (09022015). Collection method: clinical testing. Allele origin: germline.
Comment: This sequence change falls in intron 33 of the MYH6 gene. It does not directly change the encoded amino acid sequence of the MYH6 protein. It affects a nucleotide within the consensus splice site. This variant is not present in population databases (gnomAD no frequency). This variant has not been reported in the literature in individuals affected with MYH6-related conditions. Variants that disrupt the consensus splice site are a relatively common cause of aberrant splicing (PMID: 17576681, 9536098). Algorithms developed to predict the effect of sequence changes on RNA splicing suggest that this variant is not likely to affect RNA splicing. In summary, the available evidence is currently insufficient to determine the role of this variant in disease. Therefore, it has been classified as a Variant of Uncertain Significance.

Literature cited by the submitters: PubMed 17576681; PubMed 9536098.

NM_002471.4(MYH6):c.4959+6T>C

Genes: MYH6 (myosin heavy chain 6; minus strand), LOC126861896 (BRD4-independent group 4 enhancer GRCh37_chr14:23854904-23856103; plus strand). Cytogenetic location: 14q11.2.
Variant type: single nucleotide variant.
Coding change: c.4959+6T>C on transcript NM_002471.4 (MANE Select); 6 bases into the intron after coding-DNA position 4959, T replaced by C.
Molecular consequence: intron variant.
Genome position (GRCh38, 1-based): chr14:23,386,309, A>G on the plus strand (T>C on the coding strand, the complement: MYH6 is on the minus strand). VCF-style: chr14-23386309-A-G. GRCh37 (hg19) VCF-style: chr14-23855518-A-G.
Identifiers: ClinVar variation 3631289 (VCV003631289.2).